The following is an entry in ClinVar:

ClinVar aggregate classification (germline): Conflicting classifications of pathogenicity. Review status: criteria provided, conflicting classifications (1 of 4 stars). 3 submissions from 3 submitters: Uncertain significance (2); Likely benign (1). Last evaluated 2024-07-17.

Conditions:
Inborn genetic diseases. Identifiers: MedGen C0950123, MeSH D030342.

Allele frequency attached by ClinVar (database versions not stated): ExAC 0.00003; gnomAD 0.00004; gnomAD exomes 0.00007; TOPMed 0.00007.
gnomAD v4.1: 113 of 1,613,826 alleles (0.007%); highest among the groups gnomAD compares: Non-Finnish European, 0.0087%; no homozygotes.

Submissions (3):

Labcorp Genetics (formerly Invitae), Labcorp
Classification: Uncertain significance. Last evaluated: 2024-07-17. Review status: criteria provided, single submitter. Criteria: Invitae Variant Classification Sherloc (09022015). Collection method: clinical testing. Allele origin: germline.
Comment: This sequence change replaces tyrosine, which is neutral and polar, with cysteine, which is neutral and slightly polar, at codon 259 of the DNAH9 protein (p.Tyr259Cys). This variant is present in population databases (rs531802504, gnomAD 0.009%). This variant has not been reported in the literature in individuals affected with DNAH9-related conditions. ClinVar contains an entry for this variant (Variation ID: 2317779). An algorithm developed to predict the effect of missense changes on protein structure and function outputs the following: PolyPhen-2: "Benign". The cysteine amino acid residue is found in multiple mammalian species, which suggests that this missense change does not adversely affect protein function. In summary, the available evidence is currently insufficient to determine the role of this variant in disease. Therefore, it has been classified as a Variant of Uncertain Significance.

Blueprint Genetics
Classification: Likely benign. Last evaluated: 2022-12-13. Review status: criteria provided, single submitter. Criteria: ACMG Guidelines, 2015. Collection method: clinical testing. Allele origin: germline.

Ambry Genetics
Classification: Uncertain significance for Inborn genetic diseases. Last evaluated: 2022-08-17. Review status: criteria provided, single submitter. Criteria: Ambry Variant Classification Scheme 2023. Collection method: clinical testing. Allele origin: germline.

NM_001372.4(DNAH9):c.776A>G (p.Tyr259Cys)

Gene: DNAH9 (dynein axonemal heavy chain 9; plus strand). Cytogenetic location: 17p12.
Variant type: single nucleotide variant.
Coding change: c.776A>G on transcript NM_001372.4 (MANE Select); coding-DNA position 776, A replaced by G.
Protein change: p.Tyr259Cys; replaces tyrosine 259 with cysteine.
Molecular consequence: missense variant.
Genome position (GRCh38, 1-based): chr17:11,611,652, A>G. VCF-style: chr17-11611652-A-G. GRCh37 (hg19) VCF-style: chr17-11514969-A-G.
Other names: short protein forms Y259C.
Identifiers: ClinVar variation 2317779 (VCV002317779.4), dbSNP rs531802504, ClinGen allele CA8394653.
Genomic context (GRCh38, chr17:11,611,652, plus strand): 5'-AGTGTGACTTGCATTTCCTGATGCTTCCCTGGATTCACCCTTCTTCATGATATTGCAGGT[A>G]TGAAGATCTGAAATACATCTATAATCAACTGAGAACAATAACGGTGAGGGGCATGGCCAA-3'
Protein context (NP_001363.2, residues 249-269): KVELEFWKSR[Tyr259Cys]EDLKYIYNQL